The following is an entry in ClinVar:

NM_017541.4(CRYGS):c.199T>A (p.Tyr67Asn)

Gene: CRYGS (crystallin gamma S; minus strand). Cytogenetic location: 3q27.3.
Variant type: single nucleotide variant.
Coding change: c.199T>A on transcript NM_017541.4 (MANE Select); coding-DNA position 199, T replaced by A.
Protein change: p.Tyr67Asn; replaces tyrosine 67 with asparagine.
Molecular consequence: missense variant.
Genome position (GRCh38, 1-based): chr3:186,539,420, A>T on the plus strand (T>A on the coding strand, the complement: CRYGS is on the minus strand). VCF-style: chr3-186539420-A-T. GRCh37 (hg19) VCF-style: chr3-186257209-A-T.
Other names: short protein forms Y67N.
Identifiers: ClinVar variation 3026525 (VCV003026525.22), dbSNP rs2474501996, ClinGen allele CA355704108.
Genomic context (GRCh38, chr3:186,539,420, plus strand): 5'-GAACAGCTCTGCAGGAGCTGAGGCGGTCGTTGAGGCCCATCCAACGCTGGTATTCAGGGT[A>T]CTCTCCCTGTGGTAAGATGTACATGTACCCAGCAAAGTTGGGCCTTTCATAAACAGCCCA-3'
Protein context (NP_060011.1, residues 57-77): GYMYILPQGE[Tyr67Asn]PEYQRWMGLN

ClinVar aggregate classification (germline): Likely pathogenic (1 of 4 stars; one submission).

Submission:

CeGaT Center for Human Genetics Tuebingen
Classification: Likely pathogenic. Last evaluated: 2024-01-01. Review status: criteria provided, single submitter. Criteria: CeGaT Center For Human Genetics Tuebingen Variant Classification Criteria Version 2. Collection method: clinical testing. Allele origin: germline. Affected: yes. Observed: 1 variant allele.
Comment: CRYGS: PP1:Strong, PM2, PS3:Supporting, PS4:Supporting